The following is an entry in ClinVar:

ClinVar aggregate classification (germline): Uncertain significance. Review status: criteria provided, multiple submitters, no conflicts (2 of 4 stars). 2 submissions from 2 submitters: Uncertain significance (2). Last evaluated 2025-01-17.

Conditions:
NONO-related disorder. Also called: NONO-related condition.
Inborn genetic diseases. Identifiers: MedGen C0950123, MeSH D030342.

Allele frequency attached by ClinVar (database versions not stated): ExAC 0.00001; gnomAD exomes 0.00001.
gnomAD v4.1: 10 of 1,211,296 alleles (0.00083%); highest among the groups gnomAD compares: Admixed American, 0.0022%; no homozygotes.

Submissions (2):

Ambry Genetics
Classification: Uncertain significance for Inborn genetic diseases. Last evaluated: 2025-01-17. Review status: criteria provided, single submitter. Criteria: Ambry Variant Classification Scheme 2023. Collection method: clinical testing. Allele origin: germline.

PreventionGenetics, part of Exact Sciences
Classification: Uncertain significance for NONO-related condition. Last evaluated: 2023-04-07. Review status: criteria provided, single submitter. Criteria: ACMG Guidelines, 2015. Collection method: clinical testing. Allele origin: germline.
Comment: The NONO c.1351C>T variant is predicted to result in the amino acid substitution p.Pro451Ser. To our knowledge, this variant has not been reported in the literature. This variant is reported in 0.0036% of alleles in individuals of Latino descent in gnomAD. At this time, the clinical significance of this variant is uncertain due to the absence of conclusive functional and genetic evidence.

NM_007363.5(NONO):c.1351C>T (p.Pro451Ser)

Gene: NONO (non-POU domain containing octamer binding; plus strand). Cytogenetic location: Xq13.1.
Variant type: single nucleotide variant.
Coding change: c.1351C>T on transcript NM_007363.5 (MANE Select); coding-DNA position 1351, C replaced by T.
Protein change: p.Pro451Ser; replaces proline 451 with serine.
Molecular consequence: missense variant.
Genome position (GRCh38, 1-based): chrX:71,300,011, C>T. VCF-style: chrX-71300011-C-T. GRCh37 (hg19) VCF-style: chrX-70519861-C-T.
Other names: c.1351C>T, p.Pro451Ser (NM_001145408.2, NM_001145409.2); c.1084C>T, p.Pro362Ser (NM_001145410.2); short protein forms P362S, P451S.
Identifiers: ClinVar variation 2628862 (VCV002628862.2), dbSNP rs776530967, ClinGen allele CA10446216.
Genomic context (GRCh38, chrX:71,300,011, plus strand): 5'-ACAACTGAACGCTTTGGTCAGGCTGCTACAATGGAAGGAATTGGGGCAATTGGTGGAACT[C>T]CTCCTGCATTCAACCGTGCAGCTCCTGGAGCTGAATTTGCCCCAAACAAACGTCGCCGAT-3'
Protein context (NP_031389.3, residues 441-461): MEGIGAIGGT[Pro451Ser]PAFNRAAPGA